The following is an entry in ClinVar:

NM_002439.5(MSH3):c.2174A>G (p.Glu725Gly)

Gene: MSH3 (mutS homolog 3; plus strand). Cytogenetic location: 5q14.1.
Variant type: single nucleotide variant.
Coding change: c.2174A>G on transcript NM_002439.5 (MANE Select); coding-DNA position 2174, A replaced by G.
Protein change: p.Glu725Gly; replaces glutamic acid 725 with glycine.
Molecular consequence: missense variant.
Genome position (GRCh38, 1-based): chr5:80,768,924, A>G. VCF-style: chr5-80768924-A-G. GRCh37 (hg19) VCF-style: chr5-80064743-A-G.
Other names: c.2174A>G (NM_002439.3); short protein forms E725G.
Identifiers: ClinVar variation 1003454 (VCV001003454.9), dbSNP rs1444016720, ClinGen allele CA360279509.
Genomic context (GRCh38, chr5:80,768,924, plus strand): 5'-ACCTTTCTGACTTCCCTTTAATAAAAAAGAGGAAGGATGAAATTCAAGGTGTTATTGACG[A>G]GATCCGAATGCATTTGCAAGAAATACGAAAAATACTAAAAAATCCTTCTGCACAATATGT-3'
Protein context (NP_002430.3, residues 715-735): RKDEIQGVID[Glu725Gly]IRMHLQEIRK

ClinVar aggregate classification (germline): Uncertain significance. Review status: criteria provided, multiple submitters, no conflicts (2 of 4 stars). 2 submissions from 2 submitters: Uncertain significance (2). Last evaluated 2026-06-14.

Conditions:
Hereditary cancer-predisposing syndrome. Also called: Hereditary neoplastic syndrome; Neoplastic Syndromes, Hereditary; Tumor predisposition; Hereditary Cancer Syndrome. Identifiers: Orphanet 140162, MedGen C0027672, MeSH D009386, MONDO:0015356.

Allele frequency attached by ClinVar (database versions not stated): gnomAD 0.00001.
gnomAD v4.1: 1 of 1,612,844 alleles (0.000062%); highest among the groups gnomAD compares: African/African-American, 0.0013%; no homozygotes.

Submissions (2):

Ambry Genetics
Classification: Uncertain significance for Hereditary cancer-predisposing syndrome. Last evaluated: 2026-06-14. Review status: criteria provided, single submitter. Criteria: Ambry Variant Classification Scheme 2023. Collection method: clinical testing. Allele origin: germline.
Comment: The p.E725G variant (also known as c.2174A>G), located in coding exon 15 of the MSH3 gene, results from an A to G substitution at nucleotide position 2174. The glutamic acid at codon 725 is replaced by glycine, an amino acid with similar properties. This amino acid position is conserved. In addition, this alteration is predicted to be tolerated by in silico analysis. Based on the available evidence, the clinical significance of this variant remains unclear.

Labcorp Genetics (formerly Invitae), Labcorp
Classification: Uncertain significance. Last evaluated: 2018-05-02. Review status: criteria provided, single submitter. Criteria: Invitae Variant Classification Sherloc (09022015). Collection method: clinical testing. Allele origin: germline.
Comment: In summary, the available evidence is currently insufficient to determine the role of this variant in disease. Therefore, it has been classified as a Variant of Uncertain Significance. Algorithms developed to predict the effect of missense changes on protein structure and function (SIFT, PolyPhen-2, Align-GVGD) all suggest that this variant is likely to be tolerated, but these predictions have not been confirmed by published functional studies and their clinical significance is uncertain. This variant has not been reported in the literature in individuals with MSH3-related disease. This variant is not present in population databases (ExAC no frequency). This sequence change replaces glutamic acid with glycine at codon 725 of the MSH3 protein (p.Glu725Gly). The glutamic acid residue is weakly conserved and there is a moderate physicochemical difference between glutamic acid and glycine.